The following is an entry in ClinVar:

ClinVar aggregate classification (germline): Uncertain significance (1 of 4 stars; one submission).

Conditions:
Long QT syndrome (LQTS). Identifiers: MedGen C0023976, MeSH D008133, MONDO:0002442. Disease mechanism: loss of function. Inheritance: Various modes of inheritance.

Allele frequency attached by ClinVar (database versions not stated): gnomAD exomes below 0.00001.
gnomAD v4.1: 1 of 1,613,560 alleles (0.000062%); highest among the groups gnomAD compares: Non-Finnish European, 0.000085%; no homozygotes.

Submission:

Labcorp Genetics (formerly Invitae), Labcorp
Classification: Uncertain significance for Long QT syndrome. Last evaluated: 2022-05-09. Review status: criteria provided, single submitter. Criteria: Invitae Variant Classification Sherloc (09022015). Collection method: clinical testing. Allele origin: germline.
Comment: In summary, the available evidence is currently insufficient to determine the role of this variant in disease. Therefore, it has been classified as a Variant of Uncertain Significance. Algorithms developed to predict the effect of missense changes on protein structure and function are either unavailable or do not agree on the potential impact of this missense change (SIFT: "Deleterious"; PolyPhen-2: "Probably Damaging"; Align-GVGD: "Class C0"). This variant has not been reported in the literature in individuals affected with CACNA1C-related conditions. This variant is not present in population databases (gnomAD no frequency). This sequence change replaces asparagine, which is neutral and polar, with serine, which is neutral and polar, at codon 1137 of the CACNA1C protein (p.Asn1137Ser).

NM_000719.7(CACNA1C):c.3410A>G (p.Asn1137Ser)

Gene: CACNA1C (calcium voltage-gated channel subunit alpha1 C; plus strand). Cytogenetic location: 12p13.33.
Variant type: single nucleotide variant.
Coding change: c.3410A>G on transcript NM_000719.7 (MANE Select); coding-DNA position 3410, A replaced by G.
Protein change: p.Asn1137Ser; replaces asparagine 1137 with serine.
Molecular consequence: missense variant.
Genome position (GRCh38, 1-based): chr12:2,608,564, A>G. VCF-style: chr12-2608564-A-G. GRCh37 (hg19) VCF-style: chr12-2717730-A-G.
Other names: c.3470A>G, p.Asn1157Ser (NM_001129827.2, NM_001129832.2, NM_199460.4); c.3410A>G, p.Asn1137Ser (NM_001129829.2, NM_001129830.3, NM_001129831.2 and 15 more transcripts); c.3401A>G, p.Asn1134Ser (NM_001129844.2); short protein forms N1134S, N1137S, N1157S.
Identifiers: ClinVar variation 2122435 (VCV002122435.4), dbSNP rs2518572556, ClinGen allele CA383375323.